The following is an entry in ClinVar:

NM_004817.4(TJP2):c.3500G>T (p.Arg1167Leu)

Gene: TJP2 (tight junction protein 2; plus strand). Cytogenetic location: 9q21.11.
Variant type: single nucleotide variant.
Coding change: c.3500G>T on transcript NM_004817.4 (MANE Select); coding-DNA position 3500, G replaced by T.
Protein change: p.Arg1167Leu; replaces arginine 1167 with leucine.
Molecular consequence: missense variant.
Genome position (GRCh38, 1-based): chr9:69,254,301, G>T. VCF-style: chr9-69254301-G-T. GRCh37 (hg19) VCF-style: chr9-71869217-G-T.
Other names: c.2990G>T, p.Arg997Leu (NM_001170414.2); c.3401G>T, p.Arg1134Leu (NM_001170415.1); c.3593G>T, p.Arg1198Leu (NM_001170416.2); c.3425G>T, p.Arg1142Leu (NM_001369870.1); c.3431G>T, p.Arg1144Leu (NM_001369871.1); c.3389G>T, p.Arg1130Leu (NM_001369872.1); c.3176G>T, p.Arg1059Leu (NM_001369873.1); c.3071G>T, p.Arg1024Leu (NM_001369874.1); and 2 more; short protein forms R1144L, R1059L, R1134L, R1167L, R997L, R1020L, R1142L, R1171L.
Identifiers: ClinVar variation 805669 (VCV000805669.6), dbSNP rs370985421, ClinGen allele CA5074002.

ClinVar aggregate classification (germline): Uncertain significance. Review status: criteria provided, multiple submitters, no conflicts (2 of 4 stars). 4 submissions from 4 submitters: Uncertain significance (4). Last evaluated 2026-05-05.

Conditions:
TJP2-related disorder. Also called: TJP2-related condition.
Inborn genetic diseases. Identifiers: MedGen C0950123, MeSH D030342.

Allele frequency attached by ClinVar (database versions not stated): ExAC 0.00003; TOPMed 0.00003; gnomAD 0.00005; ESP Exome Variant Server 0.00008; 1000 Genomes Project 30x 0.00016; 1000 Genomes Project 0.00020.
gnomAD v4.1: 30 of 1,614,206 alleles (0.0019%); highest among the groups gnomAD compares: African/African-American, 0.017%; no homozygotes.

Submissions (4):

GeneDx
Classification: Uncertain significance. Last evaluated: 2026-05-05. Review status: criteria provided, single submitter. Criteria: GeneDx Variant Classification Process June 2021. Collection method: clinical testing. Allele origin: germline.
Comment: In silico analysis supports that this missense variant has a deleterious effect on protein structure/function; Has not been previously published as pathogenic or benign to our knowledge

PreventionGenetics, part of Exact Sciences
Classification: Uncertain significance for TJP2-related condition. Last evaluated: 2025-07-01. Review status: criteria provided, single submitter. Criteria: ACMG Guidelines, 2015. Collection method: clinical testing. Allele origin: germline.
Comment: The TJP2 c.3500G>T variant is predicted to result in the amino acid substitution p.Arg1167Leu. To our knowledge, this variant has not been reported in the literature. This variant is reported in 0.012% of alleles in individuals of African descent in gnomAD. At this time, the clinical significance of this variant is uncertain due to the absence of conclusive functional and genetic evidence.

Ambry Genetics
Classification: Uncertain significance for Inborn genetic diseases. Last evaluated: 2023-12-17. Review status: criteria provided, single submitter. Criteria: Ambry Variant Classification Scheme 2023. Collection method: clinical testing. Allele origin: germline.

Athena Diagnostics
Classification: Uncertain significance. Last evaluated: 2019-10-28. Review status: criteria provided, single submitter. Criteria: Athena Diagnostics Criteria. Collection method: clinical testing. Allele origin: unknown.